The following is an entry in ClinVar:

NM_000384.3(APOB):c.4482G>A (p.Ser1494=)

Gene: APOB (apolipoprotein B; minus strand). Cytogenetic location: 2p24.1.
Variant type: single nucleotide variant.
Coding change: c.4482G>A on transcript NM_000384.3 (MANE Select); coding-DNA position 4482, G replaced by A.
Protein change: p.Ser1494=; no amino-acid change (serine 1494 retained).
Molecular consequence: synonymous variant.
Genome position (GRCh38, 1-based): chr2:21,012,386, C>T on the plus strand (G>A on the coding strand, the complement: APOB is on the minus strand). VCF-style: chr2-21012386-C-T. GRCh37 (hg19) VCF-style: chr2-21235258-C-T.
Identifiers: ClinVar variation 1603382 (VCV001603382.11), dbSNP rs769700242, ClinGen allele CA061038.
Genomic context (GRCh38, chr2:21,012,386, plus strand): 5'-GAGCCGGCCAGTGTTAGGATCCCTCTGACAAGACAGGCCATATGTGCCTTTAGCATAGAA[C>T]GAAGAGACTCTGAACTGCCCATCAATCTTGACTTCTTTGACAAACAAATGCTGTTTCTTT-3'
Protein context (NP_000375.3, residues 1484-1504): VKIDGQFRVS[Ser1494=]FYAKGTYGLS

ClinVar aggregate classification (germline): Likely benign. Review status: criteria provided, multiple submitters, no conflicts (2 of 4 stars). 3 submissions from 3 submitters: Likely benign (3). Last evaluated 2025-08-26.

Conditions:
Cardiovascular phenotype. Identifiers: MedGen CN230736.
Hypercholesterolemia, autosomal dominant, type B (FHCL2). Also called: Familial hypercholesterolemia 2; Hyperlipoproteinemia Type IIb; Familial Hypercholesterolemia Type B; APOB-Related Familial Hypercholesterolemia, Autosomal Dominant; APOLIPOPROTEIN B-100, FAMILIAL DEFECTIVE; APOLIPOPROTEIN B-100, FAMILIAL LIGAND-DEFECTIVE. Identifiers: MedGen C1704417, MONDO:0007751, OMIM 144010.
Familial hypobetalipoproteinemia 1. Also called: APOB-Related Familial Hypobetalipoproteinemia; Hypobetalipoproteinemia, normotriglyceridemic; Acanthocytosis with hypobetalipoproteinemia. Identifiers: MedGen C4551990, MONDO:0014252, OMIM 615558.
Familial hypercholesterolemia. Also called: Familial hypercholesterolaemia; Familial hypercholesterolemias. Identifiers: MedGen C0020445, MONDO:0005439.

Allele frequency attached by ClinVar (database versions not stated): gnomAD 0.00001; TOPMed 0.00002.
gnomAD v4.1: 18 of 1,614,040 alleles (0.0011%); highest among the groups gnomAD compares: African/African-American, 0.0067%; no homozygotes.

Submissions (3):

Labcorp Genetics (formerly Invitae), Labcorp
Classification: Likely benign for Familial hypobetalipoproteinemia 1; Hypercholesterolemia, autosomal dominant, type B. Last evaluated: 2025-08-26. Review status: criteria provided, single submitter. Criteria: Invitae Variant Classification Sherloc (09022015). Collection method: clinical testing. Allele origin: germline.

GENinCode PLC
Classification: Likely benign for Familial hypercholesterolemia. Last evaluated: 2024-11-06. Review status: criteria provided, single submitter. Criteria: ACMG Guidelines, 2015. Collection method: clinical testing. Allele origin: germline.
Comment: This is a synonymous (silent) variant that is not predicted by SpliceAI to impact splicing. In addition, it occurs at a nucleotide that is not conserved. Therefore this variant has been classified as Likely Benign (BP4, BP7).

Ambry Genetics
Classification: Likely benign for Cardiovascular phenotype. Last evaluated: 2020-05-14. Review status: criteria provided, single submitter. Criteria: Ambry Variant Classification Scheme 2023. Collection method: clinical testing. Allele origin: germline.